The following is an entry in ClinVar:

ClinVar aggregate classification (germline): Pathogenic/Likely pathogenic. Review status: criteria provided, multiple submitters, no conflicts (2 of 4 stars). 8 submissions from 8 submitters: Pathogenic (6); Likely pathogenic (1). 1 of the submissions does not count toward it. Last evaluated 2026-07-08.

Conditions:
JAG1-related disorder. Also called: JAG1-related disorders; JAG1-related condition.
Deafness, congenital heart defects, and posterior embryotoxon (DCHE). Identifiers: MedGen C1866053, MONDO:0060713, OMIM 617992.
Alagille syndrome due to a JAG1 point mutation. Also called: Alagille Syndrome 1; JAG1-Related Alagille Syndrome; HEPATIC DUCTULAR HYPOPLASIA, SYNDROMATIC. Identifiers: Orphanet 261619, Orphanet 52, MedGen C1956125, MONDO:0016862, OMIM 118450.
Charcot-Marie-Tooth disease, axonal, Type 2HH. Also called: CHARCOT-MARIE-TOOTH NEUROPATHY, TYPE 2HH. Identifiers: MedGen C5562003, MONDO:0030458, OMIM 619574.
Tetralogy of Fallot (TOF). Identifiers: Orphanet 3303, MedGen C0039685, MONDO:0008542, OMIM 187500, HP:0001636.

Allele frequency attached by ClinVar (database versions not stated): gnomAD exomes below 0.00001.

Submissions (8):

PreventionGenetics, part of Exact Sciences
Classification: Pathogenic for JAG1-related condition. Last evaluated: 2026-07-08. Review status: criteria provided, single submitter. Criteria: ACMG Guidelines, 2015. Collection method: clinical testing. Allele origin: germline.
Comment: The JAG1 c.550C>T variant is predicted to result in the amino acid substitution p.Arg184Cys. This variant has been reported as a de novo finding in at least two individuals with Alagille syndrome (see for example, Table 2, Krantz et al. 1998. PubMed ID: 9585603; Table 2, Li et al. 2015. PubMed ID: 26076142). This variant has not been reported in a large population database (gnomAD), indicating this variant is rare. In addition, different variants affecting the same amino acid (Arg184Gly, Arg184His) have also been reported to be pathogenic for Alagille syndrome (Krantz et al. 1998. PubMed ID: 9585603; Crosnier et al. 1999. PubMed ID: 10220506). This variant is interpreted as pathogenic.

Labcorp Genetics (formerly Invitae), Labcorp
Classification: Pathogenic for Alagille syndrome due to a JAG1 point mutation. Last evaluated: 2025-05-25. Review status: criteria provided, single submitter. Criteria: Invitae Variant Classification Sherloc (09022015). Collection method: clinical testing. Allele origin: germline.
Comment: This sequence change replaces arginine, which is basic and polar, with cysteine, which is neutral and slightly polar, at codon 184 of the JAG1 protein (p.Arg184Cys). This variant is not present in population databases (gnomAD no frequency). This missense change has been observed in individual(s) with Alagille syndrome (PMID: 9585603, 22405927). In at least one individual the variant was observed to be de novo. ClinVar contains an entry for this variant (Variation ID: 7619). Invitae Evidence Modeling of protein sequence and biophysical properties (such as structural, functional, and spatial information, amino acid conservation, physicochemical variation, residue mobility, and thermodynamic stability) has been performed for this missense variant. However, the output from this modeling did not meet the statistical confidence thresholds required to predict the impact of this variant on JAG1 protein function. This variant disrupts the p.Arg184 amino acid residue in JAG1. Other variant(s) that disrupt this residue have been determined to be pathogenic (PMID: 10220506, 10533065, 22487239, 24748328). This suggests that this residue is clinically significant, and that variants that disrupt this residue are likely to be disease-causing. For these reasons, this variant has been classified as Pathogenic.

Fulgent Genetics
Classification: Pathogenic for Alagille syndrome due to a JAG1 point mutation; Tetralogy of Fallot; Deafness, congenital heart defects, and posterior embryotoxon; Charcot-Marie-Tooth disease, axonal, Type 2HH. Last evaluated: 2024-01-29. Review status: criteria provided, single submitter. Criteria: ACMG Guidelines, 2015. Collection method: clinical testing. Allele origin: germline.

3billion
Classification: Pathogenic for Alagille syndrome due to a JAG1 point mutation. Last evaluated: 2023-07-17. Review status: criteria provided, single submitter. Criteria: ACMG Guidelines, 2015. Collection method: clinical testing. Allele origin: germline. Affected: yes.
Comment: The variant is not observed in the gnomAD v2.1.1 dataset. Predicted Consequence/Location: Missense variant In silico tool predictions suggest damaging effect of the variant on gene or gene product (REVEL: 0.98; 3Cnet: 0.78). Same nucleotide change resulting in same amino acid change has been previously reported as pathogenic/likely pathogenic with strong evidence (ClinVar ID: VCV000007619 /PMID: 9585603). The variant has been previously reported as assumed (i.e. paternity and maternity not confirmed) de novo in at least one similarly affected unrelated individual (PMID: 9585603). Different missense changes at the same codon (p.Arg184Gly, p.Arg184His, p.Arg184Leu) have been reported as pathogenic/likely pathogenic with strong evidence (ClinVar ID: VCV000007620 /PMID: 10220506, 10533065, 9585603). Therefore, this variant is classified as Pathogenic according to the recommendation of ACMG/AMP guideline.

Blueprint Genetics
Classification: Likely pathogenic for JAG1-related disorders. Last evaluated: 2020-02-25. Review status: criteria provided, single submitter. Criteria: ACMG Guidelines, 2015. Collection method: clinical testing. Allele origin: germline. Affected: yes. Observed: 1 variant allele.

Eurofins Ntd Llc (ga)
Classification: Pathogenic. Last evaluated: 2017-10-17. Review status: criteria provided, single submitter. Criteria: EGL Classification Definitions 2015. Collection method: clinical testing. Allele origin: germline. Observed: 1 variant allele, 1 heterozygote.

Neuberg Centre For Genomic Medicine, NCGM
Classification: Pathogenic for Alagille syndrome due to a JAG1 point mutation. Review status: criteria provided, single submitter. Criteria: ACMG Guidelines, 2015. Collection method: clinical testing. Allele origin: germline. Affected: yes.
Comment: The observed missense variant c.550C>T(p.Arg184Cys) in JAG1 gene has been reported previously in individual(s) with Alagille syndrome. This variant disrupts the p.Arg184 amino acid residue in JAG1. Other variant(s) that disrupt this residue have been determined to be pathogenic. This suggests that this residue is clinically significant, and that variants that disrupt this residue are likely to be disease-causing (Gilbert MA, et al., 2019; Li L, et al., 2015). This variant is absent in the gnomAD Exomes. This variant has been reported to the ClinVar database as Pathogenic. The amino acid Arg at position 184 is changed to a Cys changing protein sequence and it might alter its composition and physico-chemical properties. Multiple lines of computational evidence (Polyphen - Possibly damaging, SIFT – Damaging and MutationTaster - Disease causing) predict a damaging effect on protein structure and function for this variant. The residue is conserved by GERP++ and PhyloP across 100 vertebrates. For these reasons, this variant has been classified as Pathogenic.

OMIM
Classification: Pathogenic for ALAGILLE SYNDROME 1. Last evaluated: 1998-06-01. Review status: no assertion criteria provided. Collection method: literature only. Allele origin: germline. Not counted in ClinVar's aggregate classification.

Literature cited by the submitters: PubMed 9585603 (cited by 3 submitters); PubMed 22405927 (cited by Labcorp Genetics (formerly Invitae), Labcorp); PubMed 10220506 (cited by Labcorp Genetics (formerly Invitae), Labcorp and 3billion); PubMed 10533065 (cited by Labcorp Genetics (formerly Invitae), Labcorp); PubMed 22487239 (cited by Labcorp Genetics (formerly Invitae), Labcorp); PubMed 24748328 (cited by Labcorp Genetics (formerly Invitae), Labcorp).

NM_000214.3(JAG1):c.550C>T (p.Arg184Cys)

Gene: JAG1 (jagged canonical Notch ligand 1; minus strand). Cytogenetic location: 20p12.2.
Variant type: single nucleotide variant.
Coding change: c.550C>T on transcript NM_000214.3 (MANE Select); coding-DNA position 550, C replaced by T.
Protein change: p.Arg184Cys; replaces arginine 184 with cysteine.
Molecular consequence: missense variant.
Genome position (GRCh38, 1-based): chr20:10,658,612, G>A on the plus strand (C>T on the coding strand, the complement: JAG1 is on the minus strand). VCF-style: chr20-10658612-G-A. GRCh37 (hg19) VCF-style: chr20-10639260-G-A.
Other names: c.550C>T, p.Arg184Cys (LRG_1191t1); c.550C>T (NM_000214.2); short protein forms R184C.
Identifiers: ClinVar variation 7619 (VCV000007619.14), dbSNP rs121918350, ClinGen allele CA254222.